The following is an entry in ClinVar:

ClinVar aggregate classification (germline): Uncertain significance (1 of 4 stars; one submission).

Submission:

GeneDx
Classification: Uncertain significance. Last evaluated: 2026-02-24. Review status: criteria provided, single submitter. Criteria: GeneDx Variant Classification Process June 2021. Collection method: clinical testing. Allele origin: germline.
Comment: Not observed at significant frequency in large population cohorts (gnomAD); In silico analysis suggests that this missense variant does not alter protein structure/function; Has not been previously published as pathogenic or benign to our knowledge

NM_015030.2(FRYL):c.8604G>A (p.Met2868Ile)

Gene: FRYL (FRY like transcription coactivator; minus strand). Cytogenetic location: 4p11.
Variant type: single nucleotide variant.
Coding change: c.8604G>A on transcript NM_015030.2 (MANE Select); coding-DNA position 8604, G replaced by A.
Protein change: p.Met2868Ile; replaces methionine 2868 with isoleucine.
Molecular consequence: missense variant.
Genome position (GRCh38, 1-based): chr4:48,500,209, C>T on the plus strand (G>A on the coding strand, the complement: FRYL is on the minus strand). VCF-style: chr4-48500209-C-T. GRCh37 (hg19) VCF-style: chr4-48502226-C-T.
Other names: short protein forms M2868I.
Identifiers: ClinVar variation 5010122 (VCV005010122.1).